The following is an entry in ClinVar:

ClinVar aggregate classification (germline): Uncertain significance (1 of 4 stars; one submission).

Allele frequency attached by ClinVar (database versions not stated): gnomAD exomes below 0.00001.

Submission:

Labcorp Genetics (formerly Invitae), Labcorp
Classification: Uncertain significance. Last evaluated: 2021-03-29. Review status: criteria provided, single submitter. Criteria: Invitae Variant Classification Sherloc (09022015). Collection method: clinical testing. Allele origin: germline.
Comment: This variant is not present in population databases (ExAC no frequency). In summary, the available evidence is currently insufficient to determine the role of this variant in disease. Therefore, it has been classified as a Variant of Uncertain Significance. Algorithms developed to predict the effect of sequence changes on RNA splicing suggest that this variant may create or strengthen a splice site, but this prediction has not been confirmed by published transcriptional studies. Algorithms developed to predict the effect of missense changes on protein structure and function are either unavailable or do not agree on the potential impact of this missense change (SIFT: "Deleterious"; PolyPhen-2: "Probably Damaging"; Align-GVGD: "Class C0"). This variant has not been reported in the literature in individuals with EMC1-related conditions. This sequence change replaces leucine with glutamine at codon 495 of the EMC1 protein (p.Leu495Gln). The leucine residue is highly conserved and there is a moderate physicochemical difference between leucine and glutamine.

NM_015047.3(EMC1):c.1484T>A (p.Leu495Gln)

Genes: EMC1 (ER membrane protein complex subunit 1; minus strand), EMC1-AS1 (EMC1 antisense RNA 1; plus strand). Cytogenetic location: 1p36.13.
Variant type: single nucleotide variant.
Coding change: c.1484T>A on transcript NM_015047.3 (MANE Select); coding-DNA position 1484, T replaced by A.
Protein change: p.Leu495Gln; replaces leucine 495 with glutamine.
Molecular consequence: missense variant.
Genome position (GRCh38, 1-based): chr1:19,233,084, A>T on the plus strand (T>A on the coding strand, the complement: EMC1 is on the minus strand). VCF-style: chr1-19233084-A-T. GRCh37 (hg19) VCF-style: chr1-19559578-A-T.
Other names: c.1481T>A, p.Leu494Gln (NM_001271427.2, NM_001271428.2); c.1418T>A, p.Leu473Gln (NM_001271429.2); c.1493T>A, p.Leu498Gln (NM_001375820.1); c.1490T>A, p.Leu497Gln (NM_001375821.1); short protein forms L473Q, L494Q, L498Q, L495Q, L497Q.
Identifiers: ClinVar variation 1477281 (VCV001477281.8), dbSNP rs1461159671, ClinGen allele CA338763047.